The following is an entry in ClinVar:

ClinVar aggregate classification (germline): Likely benign. Review status: criteria provided, multiple submitters, no conflicts (2 of 4 stars). 4 submissions from 4 submitters: Likely benign (4). Last evaluated 2026-05-01.

Conditions:
Parkinson disease 13, autosomal dominant, susceptibility to. Identifiers: Orphanet 2828, MedGen C1853202, MONDO:0012466, OMIM 610297.
3-methylglutaconic aciduria type 8. Also called: 3-methylglutaconic aciduria, type VIII. Identifiers: Orphanet 505208, MedGen C4310650, MONDO:0044723, OMIM 617248.

Allele frequency attached by ClinVar (database versions not stated): gnomAD 0.00003 and 0.00004; TOPMed 0.00003; gnomAD exomes 0.00004; 1000 Genomes Project 30x 0.00031; 1000 Genomes Project 0.00040.
gnomAD v4.1: 49 of 1,614,202 alleles (0.003%); highest among the groups gnomAD compares: Middle Eastern, 0.033%; no homozygotes.

Submissions (4):

CeGaT Center for Human Genetics Tuebingen
Classification: Likely benign. Last evaluated: 2026-05-01. Review status: criteria provided, single submitter. Criteria: CeGaT Center For Human Genetics Tuebingen Variant Classification Criteria Version 2. Collection method: clinical testing. Allele origin: germline. Affected: yes. Observed: 1 variant allele.
Comment: HTRA2: BP4, BP7

Labcorp Genetics (formerly Invitae), Labcorp
Classification: Likely benign. Last evaluated: 2025-11-17. Review status: criteria provided, single submitter. Criteria: Invitae Variant Classification Sherloc (09022015). Collection method: clinical testing. Allele origin: germline.

Fulgent Genetics
Classification: Likely benign for Parkinson disease 13, autosomal dominant, susceptibility to; 3-methylglutaconic aciduria type 8. Last evaluated: 2021-09-15. Review status: criteria provided, single submitter. Criteria: ACMG Guidelines, 2015. Collection method: clinical testing. Allele origin: unknown.

GeneDx
Classification: Likely benign. Last evaluated: 2020-01-30. Review status: criteria provided, single submitter. Criteria: GeneDx Variant Classification Process June 2021. Collection method: clinical testing. Allele origin: germline. Affected: yes.

NM_013247.5(HTRA2):c.618C>G (p.Val206=)

Gene: HTRA2 (HtrA serine peptidase 2; plus strand). Cytogenetic location: 2p13.1.
Variant type: single nucleotide variant.
Coding change: c.618C>G on transcript NM_013247.5 (MANE Select); coding-DNA position 618, C replaced by G.
Protein change: p.Val206=; no amino-acid change (valine 206 retained).
Molecular consequence: synonymous variant. On other transcripts: non-coding transcript variant (4).
Genome position (GRCh38, 1-based): chr2:74,530,728, C>G. VCF-style: chr2-74530728-C-G. GRCh37 (hg19) VCF-style: chr2-74757855-C-G.
Other names: c.618C>G, p.Val206= (NM_001321727.1, NM_001321728.1, NM_145074.2).
Identifiers: ClinVar variation 1188327 (VCV001188327.13), dbSNP rs186272815, ClinGen allele CA1728395.